The following is an entry in ClinVar:

NM_020765.3(UBR4):c.2465C>G (p.Thr822Ser)

Gene: UBR4 (ubiquitin protein ligase E3 component n-recognin 4; minus strand). Cytogenetic location: 1p36.13.
Variant type: single nucleotide variant.
Coding change: c.2465C>G on transcript NM_020765.3 (MANE Select); coding-DNA position 2465, C replaced by G.
Protein change: p.Thr822Ser; replaces threonine 822 with serine.
Molecular consequence: missense variant.
Genome position (GRCh38, 1-based): chr1:19,177,633, G>C on the plus strand (C>G on the coding strand, the complement: UBR4 is on the minus strand). VCF-style: chr1-19177633-G-C. GRCh37 (hg19) VCF-style: chr1-19504127-G-C.
Other names: short protein forms T822S.
Identifiers: ClinVar variation 778208 (VCV000778208.6), dbSNP rs201374715, ClinGen allele CA651414.

ClinVar aggregate classification (germline): Benign. Review status: criteria provided, single submitter (1 of 4 stars). 2 submissions from 2 submitters: Benign (1). 1 of the submissions does not count toward it. Last evaluated 2019-12-31.

Conditions:
UBR4-related disorder. Also called: UBR4-related condition.

Allele frequency attached by ClinVar (database versions not stated): ESP Exome Variant Server 0.00008; 1000 Genomes Project 0.00020; 1000 Genomes Project 30x 0.00031; gnomAD 0.00051 and 0.00054; TOPMed 0.00171; ExAC 0.00290; gnomAD exomes 0.00353.
gnomAD v4.1: 1,051 of 1,614,090 alleles (0.065%); highest among the groups gnomAD compares: Admixed American, 1.7%; 18 homozygotes.

Submissions (2):

Labcorp Genetics (formerly Invitae), Labcorp
Classification: Benign. Last evaluated: 2019-12-31. Review status: criteria provided, single submitter. Criteria: Invitae Variant Classification Sherloc (09022015). Collection method: clinical testing. Allele origin: germline.

PreventionGenetics, part of Exact Sciences
Classification: Benign for UBR4-related condition. Last evaluated: 2019-08-15. Review status: no assertion criteria provided. Collection method: clinical testing. Allele origin: germline. Not counted in ClinVar's aggregate classification.
Comment: This variant is classified as benign based on ACMG/AMP sequence variant interpretation guidelines (Richards et al. 2015 PMID: 25741868, with internal and published modifications).